The following is an entry in ClinVar:

ClinVar aggregate classification (germline): Uncertain significance (1 of 4 stars; one submission).

Allele frequency attached by ClinVar (database versions not stated): gnomAD exomes below 0.00001.
gnomAD v4.1: 2 of 1,614,014 alleles (0.00012%); highest among the groups gnomAD compares: Non-Finnish European, 0.000085%; no homozygotes.

Submission:

Labcorp Genetics (formerly Invitae), Labcorp
Classification: Uncertain significance. Last evaluated: 2023-03-13. Review status: criteria provided, single submitter. Criteria: Invitae Variant Classification Sherloc (09022015). Collection method: clinical testing. Allele origin: germline.
Comment: This sequence change replaces phenylalanine, which is neutral and non-polar, with cysteine, which is neutral and slightly polar, at codon 133 of the LZTR1 protein (p.Phe133Cys). In summary, the available evidence is currently insufficient to determine the role of this variant in disease. Therefore, it has been classified as a Variant of Uncertain Significance. An algorithm developed to predict the effect of missense changes on protein structure and function (PolyPhen-2) suggests that this variant is likely to be disruptive. This missense change has been observed in individual(s) with autosomal dominant Noonan syndrome (PMID: 33128510). This variant is not present in population databases (gnomAD no frequency).

Literature cited by the submitters: PubMed 33128510.

NM_006767.4(LZTR1):c.398T>G (p.Phe133Cys)

Gene: LZTR1 (leucine zipper like post translational regulator 1; plus strand). Cytogenetic location: 22q11.21.
Variant type: single nucleotide variant.
Coding change: c.398T>G on transcript NM_006767.4 (MANE Select); coding-DNA position 398, T replaced by G.
Protein change: p.Phe133Cys; replaces phenylalanine 133 with cysteine.
Molecular consequence: missense variant.
Genome position (GRCh38, 1-based): chr22:20,987,581, T>G. VCF-style: chr22-20987581-T-G. GRCh37 (hg19) VCF-style: chr22-21341870-T-G.
Other names: short protein forms F133C.
Identifiers: ClinVar variation 2962273 (VCV002962273.3), dbSNP rs2518612598, ClinGen allele CA410779476.